The following is an entry in ClinVar:

ClinVar aggregate classification (germline): Benign/Likely benign. Review status: criteria provided, multiple submitters, no conflicts (2 of 4 stars). 9 submissions from 9 submitters: Benign (6); Likely benign (2). 1 of the submissions does not count toward it. Last evaluated 2026-01-19.

Conditions:
L2HGDH-related disorder. Also called: L2HGDH-related condition.
L-2-hydroxyglutaric aciduria (L2HGA). Identifiers: Orphanet 79314, MedGen C1855995, MONDO:0009370, OMIM 236792, HP:0040144.

Allele frequency attached by ClinVar (database versions not stated): gnomAD exomes 0.00161; ExAC 0.00189; gnomAD 0.00315 and 0.00325; TOPMed 0.00340; ESP Exome Variant Server 0.00400; 1000 Genomes Project 30x 0.00687; 1000 Genomes Project 0.00699.
gnomAD v4.1: 1,538 of 1,613,278 alleles (0.095%); highest among the groups gnomAD compares: African/African-American, 1.1%; 13 homozygotes.

Submissions (9):

Labcorp Genetics (formerly Invitae), Labcorp
Classification: Benign for L-2-hydroxyglutaric aciduria. Last evaluated: 2026-01-19. Review status: criteria provided, single submitter. Criteria: Invitae Variant Classification Sherloc (09022015). Collection method: clinical testing. Allele origin: germline.

Mayo Clinic Laboratories, Mayo Clinic
Classification: Benign. Last evaluated: 2025-04-24. Review status: criteria provided, single submitter. Criteria: ACMG Guidelines, 2015. Collection method: clinical testing. Allele origin: germline. Observed: 4 variant alleles.
Comment: BS1, BS2, PP3

CeGaT Center for Human Genetics Tuebingen
Classification: Benign. Last evaluated: 2023-03-01. Review status: criteria provided, single submitter. Criteria: CeGaT Center For Human Genetics Tuebingen Variant Classification Criteria Version 2. Collection method: clinical testing. Allele origin: germline. Affected: yes. Observed: 1 variant allele.
Comment: L2HGDH: BS1, BS2

Genetic Services Laboratory, University of Chicago
Classification: Likely benign. Last evaluated: 2019-07-03. Review status: criteria provided, single submitter. Criteria: ACMG Guidelines, 2015. Collection method: clinical testing. Allele origin: germline. Affected: no.

Mendelics
Classification: Benign for L-2-hydroxyglutaric aciduria. Last evaluated: 2019-05-28. Review status: criteria provided, single submitter. Criteria: Mendelics Assertion Criteria 2017. Collection method: clinical testing. Allele origin: unknown.

Athena Diagnostics
Classification: Benign. Last evaluated: 2018-09-14. Review status: criteria provided, single submitter. Criteria: Athena Diagnostics Criteria. Collection method: clinical testing. Allele origin: germline.

Eurofins Ntd Llc (ga)
Classification: Benign. Last evaluated: 2015-05-22. Review status: criteria provided, single submitter. Criteria: EGL Classification Definitions 2015. Collection method: clinical testing. Allele origin: germline. Observed: 1 variant allele, 1 heterozygote.

Breakthrough Genomics
Classification: Likely benign. Review status: criteria provided, single submitter. Criteria: ACMG Guidelines, 2015. Collection method: not provided. Allele origin: germline. Inheritance: Autosomal recessive inheritance. Affected: yes.

PreventionGenetics, part of Exact Sciences
Classification: Benign for L2HGDH-related condition. Last evaluated: 2020-01-13. Review status: no assertion criteria provided. Collection method: clinical testing. Allele origin: germline. Not counted in ClinVar's aggregate classification.
Comment: This variant is classified as benign based on ACMG/AMP sequence variant interpretation guidelines (Richards et al. 2015 PMID: 25741868, with internal and published modifications).

Literature cited by the submitters: PubMed 20052767 (cited by Mayo Clinic Laboratories, Mayo Clinic and Athena Diagnostics); PubMed 35456504 (cited by Mayo Clinic Laboratories, Mayo Clinic).

NM_024884.3(L2HGDH):c.1100A>G (p.Tyr367Cys)

Gene: L2HGDH (L-2-hydroxyglutarate dehydrogenase; minus strand). Cytogenetic location: 14q21.3.
Variant type: single nucleotide variant.
Coding change: c.1100A>G on transcript NM_024884.3 (MANE Select); coding-DNA position 1100, A replaced by G.
Protein change: p.Tyr367Cys; replaces tyrosine 367 with cysteine.
Molecular consequence: missense variant.
Genome position (GRCh38, 1-based): chr14:50,265,454, T>C on the plus strand (A>G on the coding strand, the complement: L2HGDH is on the minus strand). VCF-style: chr14-50265454-T-C. GRCh37 (hg19) VCF-style: chr14-50732172-T-C.
Other names: p.Tyr367Cys; short protein forms Y367C.
Identifiers: ClinVar variation 199173 (VCV000199173.48), dbSNP rs115954396, ClinGen allele CA203788.